The following is an entry in ClinVar:

NM_020778.5(ALPK3):c.1107G>T (p.Gln369His)

Gene: ALPK3 (alpha kinase 3; plus strand). Cytogenetic location: 15q25.3.
Variant type: single nucleotide variant.
Coding change: c.1107G>T on transcript NM_020778.5 (MANE Select); coding-DNA position 1107, G replaced by T.
Protein change: p.Gln369His; replaces glutamine 369 with histidine.
Molecular consequence: missense variant.
Genome position (GRCh38, 1-based): chr15:84,840,386, G>T. VCF-style: chr15-84840386-G-T. GRCh37 (hg19) VCF-style: chr15-85383617-G-T.
Other names: short protein forms Q369H.
Identifiers: ClinVar variation 1714609 (VCV001714609.5), dbSNP rs2505706005, ClinGen allele CA393374448.

ClinVar aggregate classification (germline): Uncertain significance (1 of 4 stars; one submission).

Submission:

Labcorp Genetics (formerly Invitae), Labcorp
Classification: Uncertain significance. Last evaluated: 2022-07-31. Review status: criteria provided, single submitter. Criteria: Invitae Variant Classification Sherloc (09022015). Collection method: clinical testing. Allele origin: germline.
Comment: This sequence change replaces glutamine, which is neutral and polar, with histidine, which is basic and polar, at codon 571 of the ALPK3 protein (p.Gln571His). This variant is not present in population databases (gnomAD no frequency). This variant has not been reported in the literature in individuals affected with ALPK3-related conditions. Algorithms developed to predict the effect of missense changes on protein structure and function (SIFT, PolyPhen-2, Align-GVGD) all suggest that this variant is likely to be tolerated. In summary, the available evidence is currently insufficient to determine the role of this variant in disease. Therefore, it has been classified as a Variant of Uncertain Significance.